The following is an entry in ClinVar:

ClinVar aggregate classification (germline): Pathogenic (1 of 4 stars; one submission).

Conditions:
Long QT syndrome (LQTS). Identifiers: MedGen C0023976, MeSH D008133, MONDO:0002442. Disease mechanism: loss of function. Inheritance: Various modes of inheritance.

Submission:

Labcorp Genetics (formerly Invitae), Labcorp
Classification: Pathogenic for Long QT syndrome. Last evaluated: 2024-12-15. Review status: criteria provided, single submitter. Criteria: Invitae Variant Classification Sherloc (09022015). Collection method: clinical testing. Allele origin: germline.
Comment: This sequence change affects a donor splice site in intron 12 of the KCNQ1 gene. It is expected to disrupt RNA splicing. Variants that disrupt the donor or acceptor splice site typically lead to a loss of protein function (PMID: 16199547), and loss-of-function variants in KCNQ1 are known to be pathogenic (PMID: 9323054, 19862833). This variant is not present in population databases (gnomAD no frequency). Disruption of this splice site has been observed in individuals with long QT syndrome (PMID: 24388587; internal data). Algorithms developed to predict the effect of sequence changes on RNA splicing suggest that this variant may disrupt the consensus splice site. For these reasons, this variant has been classified as Pathogenic.

Literature cited by the submitters: PubMed 16199547; PubMed 9323054; PubMed 19862833; PubMed 24388587.

NM_000218.3(KCNQ1):c.1590+1G>C

Gene: KCNQ1 (potassium voltage-gated channel subfamily Q member 1; plus strand). Cytogenetic location: 11p15.5.
Variant type: single nucleotide variant.
Coding change: c.1590+1G>C on transcript NM_000218.3 (MANE Select); the canonical splice donor site of the intron after coding-DNA position 1590, G replaced by C.
Molecular consequence: splice donor variant.
Genome position (GRCh38, 1-based): chr11:2,768,920, G>C. VCF-style: chr11-2768920-G-C. GRCh37 (hg19) VCF-style: chr11-2790150-G-C.
Other names: c.1320+1G>C (NM_001406837.1); c.1494+1G>C (NM_001406836.1); c.1050+1G>C (NM_001406838.1); c.1209+1G>C (NM_181798.2).
Identifiers: ClinVar variation 3726879 (VCV003726879.2).